The following is an entry in ClinVar:

ClinVar aggregate classification (germline): Uncertain significance (1 of 4 stars; one submission).

Allele frequency attached by ClinVar (database versions not stated): ExAC 0.00001; TOPMed 0.00002; ESP Exome Variant Server 0.00008; 1000 Genomes Project 30x 0.00016; 1000 Genomes Project 0.00020.
gnomAD v4.1: 7 of 1,614,258 alleles (0.00043%); highest among the groups gnomAD compares: Admixed American, 0.005%; no homozygotes.

Submission:

Labcorp Genetics (formerly Invitae), Labcorp
Classification: Uncertain significance. Last evaluated: 2025-06-06. Review status: criteria provided, single submitter. Criteria: Invitae Variant Classification Sherloc (09022015). Collection method: clinical testing. Allele origin: germline.
Comment: This sequence change replaces tyrosine, which is neutral and polar, with histidine, which is basic and polar, at codon 229 of the KLF10 protein (p.Tyr229His). This variant is present in population databases (rs199615401, gnomAD 0.006%). This variant has not been reported in the literature in individuals affected with KLF10-related conditions. ClinVar contains an entry for this variant (Variation ID: 2070925). An algorithm developed to predict the effect of missense changes on protein structure and function outputs the following: PolyPhen-2: "Benign". The histidine amino acid residue is found in multiple mammalian species, which suggests that this missense change does not adversely affect protein function. In summary, the available evidence is currently insufficient to determine the role of this variant in disease. Therefore, it has been classified as a Variant of Uncertain Significance.

NM_005655.4(KLF10):c.685T>C (p.Tyr229His)

Gene: KLF10 (KLF transcription factor 10; minus strand). Cytogenetic location: 8q22.3.
Variant type: single nucleotide variant.
Coding change: c.685T>C on transcript NM_005655.4 (MANE Select); coding-DNA position 685, T replaced by C.
Protein change: p.Tyr229His; replaces tyrosine 229 with histidine.
Molecular consequence: missense variant.
Genome position (GRCh38, 1-based): chr8:102,651,647, A>G on the plus strand (T>C on the coding strand, the complement: KLF10 is on the minus strand). VCF-style: chr8-102651647-A-G. GRCh37 (hg19) VCF-style: chr8-103663875-A-G.
Other names: c.652T>C, p.Tyr218His (NM_001032282.4); short protein forms Y218H, Y229H.
Identifiers: ClinVar variation 2070925 (VCV002070925.4), dbSNP rs199615401, ClinGen allele CA4833554.